The following is an entry in ClinVar:

NM_020975.6(RET):c.314C>T (p.Ser105Phe)

Gene: RET (ret proto-oncogene; plus strand). Cytogenetic location: 10q11.21.
Variant type: single nucleotide variant.
Coding change: c.314C>T on transcript NM_020975.6 (MANE Select); coding-DNA position 314, C replaced by T.
Protein change: p.Ser105Phe; replaces serine 105 with phenylalanine.
Molecular consequence: missense variant.
Genome position (GRCh38, 1-based): chr10:43,100,699, C>T. VCF-style: chr10-43100699-C-T. GRCh37 (hg19) VCF-style: chr10-43596147-C-T.
Other names: c.314C>T, p.Ser105Phe (NM_001406769.1, NM_001406770.1, NM_001406771.1 and 34 more transcripts); short protein forms S105F.
Identifiers: ClinVar variation 647509 (VCV000647509.4), dbSNP rs1588862705, ClinGen allele CA376770554.

ClinVar aggregate classification (germline): Uncertain significance. Review status: criteria provided, multiple submitters, no conflicts (2 of 4 stars). 3 submissions from 3 submitters: Uncertain significance (3). Last evaluated 2024-05-04.

Conditions:
Multiple endocrine neoplasia, type 2 (MEN2). Identifiers: Orphanet 653, MedGen C4048306, MONDO:0019003. Disease mechanism: gain of function.
Hereditary cancer-predisposing syndrome. Also called: Hereditary Cancer Syndrome; Tumor predisposition; Hereditary neoplastic syndrome; Neoplastic Syndromes, Hereditary. Identifiers: Orphanet 140162, MedGen C0027672, MeSH D009386, MONDO:0015356.

Submissions (3):

Ambry Genetics
Classification: Uncertain significance for Hereditary cancer-predisposing syndrome. Last evaluated: 2024-05-04. Review status: criteria provided, single submitter. Criteria: Ambry Variant Classification Scheme 2023. Collection method: clinical testing. Allele origin: germline.
Comment: The p.S105F variant (also known as c.314C>T), located in coding exon 2 of the RET gene, results from a C to T substitution at nucleotide position 314. The serine at codon 105 is replaced by phenylalanine, an amino acid with highly dissimilar properties. This amino acid position is conserved. In addition, this alteration is predicted to be tolerated by in silico analysis. Based on the available evidence, the clinical significance of this variant remains unclear.

Sema4
Classification: Uncertain significance for Hereditary cancer-predisposing syndrome. Last evaluated: 2021-08-30. Review status: criteria provided, single submitter. Criteria: Sema4 Curation Guidelines. Collection method: curation. Allele origin: germline.
Comment: The RET c.314C>T (p.S105F) variant has not been reported in literature to our knowledge. This variant was not observed in the large and broad cohorts of the Genome Aggregation Database (PMID: 32461654). This variant has been reported in ClinVar (Variation ID 647509). Functional studies have not been performed, and in silico predictions of the variant's effect on protein function are inconclusive. The overall evidence is insufficient to meet ACMG/AMP criteria for classifying it as benign or pathogenic. In summary, the clinical significance of this variant is currently uncertain.

Labcorp Genetics (formerly Invitae), Labcorp
Classification: Uncertain significance for Multiple endocrine neoplasia, type 2. Last evaluated: 2018-07-19. Review status: criteria provided, single submitter. Criteria: Invitae Variant Classification Sherloc (09022015). Collection method: clinical testing. Allele origin: germline.
Comment: This sequence change replaces serine with phenylalanine at codon 105 of the RET protein (p.Ser105Phe). The serine residue is weakly conserved and there is a large physicochemical difference between serine and phenylalanine. This variant is not present in population databases (ExAC no frequency). This variant has not been reported in the literature in individuals with RET-related disease. Algorithms developed to predict the effect of missense changes on protein structure and function are either unavailable or do not agree on the potential impact of this missense change (SIFT: "Deleterious"; PolyPhen-2: "Probably Damaging"; Align-GVGD: "Class C0"). In summary, the available evidence is currently insufficient to determine the role of this variant in disease. Therefore, it has been classified as a Variant of Uncertain Significance.